The following is an entry in ClinVar:

NM_000171.4(GLRA1):c.1274T>C (p.Met425Thr)

Gene: GLRA1 (glycine receptor alpha 1; minus strand). Cytogenetic location: 5q33.1.
Variant type: single nucleotide variant.
Coding change: c.1274T>C on transcript NM_000171.4 (MANE Select); coding-DNA position 1274, T replaced by C.
Protein change: p.Met425Thr; replaces methionine 425 with threonine.
Molecular consequence: missense variant.
Genome position (GRCh38, 1-based): chr5:151,822,749, A>G on the plus strand (T>C on the coding strand, the complement: GLRA1 is on the minus strand). VCF-style: chr5-151822749-A-G. GRCh37 (hg19) VCF-style: chr5-151202310-A-G.
Other names: c.1298T>C, p.Met433Thr (NM_001146040.2); c.1025T>C, p.Met342Thr (NM_001292000.2); short protein forms M342T, M425T, M433T.
Identifiers: ClinVar variation 1004292 (VCV001004292.8), dbSNP rs747623314, ClinGen allele CA3523466.

ClinVar aggregate classification (germline): Uncertain significance (1 of 4 stars; one submission).

Conditions:
Hereditary hyperekplexia. Identifiers: Orphanet 3197, MedGen C4084968, MONDO:0021022.

Allele frequency attached by ClinVar (database versions not stated): ExAC 0.00002; gnomAD exomes 0.00002 and 0.00004; TOPMed 0.00002; gnomAD 0.00003.
gnomAD v4.1: 63 of 1,613,874 alleles (0.0039%); highest among the groups gnomAD compares: Non-Finnish European, 0.005%; no homozygotes.

Submission:

Labcorp Genetics (formerly Invitae), Labcorp
Classification: Uncertain significance for Hereditary hyperekplexia. Last evaluated: 2025-12-24. Review status: criteria provided, single submitter. Criteria: Invitae Variant Classification Sherloc (09022015). Collection method: clinical testing. Allele origin: germline.
Comment: This sequence change replaces methionine, which is neutral and non-polar, with threonine, which is neutral and polar, at codon 425 of the GLRA1 protein (p.Met425Thr). This variant is present in population databases (rs747623314, gnomAD 0.005%). This variant has not been reported in the literature in individuals affected with GLRA1-related conditions. ClinVar contains an entry for this variant (Variation ID: 1004292). Invitae Evidence Modeling of protein sequence and biophysical properties (such as structural, functional, and spatial information, amino acid conservation, physicochemical variation, residue mobility, and thermodynamic stability) indicates that this missense variant is not expected to disrupt GLRA1 protein function with a negative predictive value of 80%. In summary, the available evidence is currently insufficient to determine the role of this variant in disease. Therefore, it has been classified as a Variant of Uncertain Significance.